The following is an entry in ClinVar:

NM_001012614.2(CTBP1):c.860+6C>T

Genes: CTBP1 (C-terminal binding protein 1; minus strand), CTBP1-AS (CTBP1 antisense RNA; plus strand). Cytogenetic location: 4p16.3.
Variant type: single nucleotide variant.
Coding change: c.860+6C>T on transcript NM_001012614.2 (MANE Select); 6 bases into the intron after coding-DNA position 860, C replaced by T.
Molecular consequence: intron variant.
Genome position (GRCh38, 1-based): chr4:1,214,337, G>A on the plus strand (C>T on the coding strand, the complement: CTBP1 is on the minus strand). VCF-style: chr4-1214337-G-A. GRCh37 (hg19) VCF-style: chr4-1208125-G-A.
Other names: c.860+6C>T (NM_001377192.1, NM_001377189.1, NM_001377193.1 and 4 more transcripts); c.893+6C>T (NM_001328.3, NM_001377186.1).
Identifiers: ClinVar variation 2419353 (VCV002419353.6), dbSNP rs369443231, ClinGen allele CA91159970.

ClinVar aggregate classification (germline): Uncertain significance (1 of 4 stars; one submission).

Allele frequency attached by ClinVar (database versions not stated): gnomAD exomes below 0.00001; gnomAD 0.00003; TOPMed 0.00003; ESP Exome Variant Server 0.00008.
gnomAD v4.1: 7 of 1,545,240 alleles (0.00045%); highest among the groups gnomAD compares: African/African-American, 0.0071%; no homozygotes.

Submission:

Labcorp Genetics (formerly Invitae), Labcorp
Classification: Uncertain significance. Last evaluated: 2022-09-09. Review status: criteria provided, single submitter. Criteria: Invitae Variant Classification Sherloc (09022015). Collection method: clinical testing. Allele origin: germline.
Comment: This sequence change falls in intron 6 of the CTBP1 gene. It does not directly change the encoded amino acid sequence of the CTBP1 protein. It affects a nucleotide within the consensus splice site. This variant is present in population databases (rs369443231, gnomAD 0.006%). This variant has not been reported in the literature in individuals affected with CTBP1-related conditions. Variants that disrupt the consensus splice site are a relatively common cause of aberrant splicing (PMID: 17576681, 9536098). Algorithms developed to predict the effect of sequence changes on RNA splicing suggest that this variant is not likely to affect RNA splicing. In summary, the available evidence is currently insufficient to determine the role of this variant in disease. Therefore, it has been classified as a Variant of Uncertain Significance.

Literature cited by the submitters: PubMed 17576681; PubMed 9536098.